The following is an entry in ClinVar:

NM_198904.4(GABRG2):c.862G>A (p.Val288Ile)

Gene: GABRG2 (gamma-aminobutyric acid type A receptor subunit gamma2; plus strand). Cytogenetic location: 5q34.
Variant type: single nucleotide variant.
Coding change: c.862G>A on transcript NM_198904.4 (MANE Select); coding-DNA position 862, G replaced by A.
Protein change: p.Val288Ile; replaces valine 288 with isoleucine.
Molecular consequence: missense variant.
Genome position (GRCh38, 1-based): chr5:162,142,256, G>A. VCF-style: chr5-162142256-G-A. GRCh37 (hg19) VCF-style: chr5-161569262-G-A.
Other names: c.862G>A, p.Val288Ile (NM_000816.3, NM_001375340.1); c.853G>A, p.Val285Ile (NM_001375339.1); c.859G>A, p.Val287Ile (NM_001375341.1, NM_001375342.1); c.982G>A, p.Val328Ile (NM_001375343.1, NM_198903.2); c.901G>A, p.Val301Ile (NM_001375344.1); c.796G>A, p.Val266Ile (NM_001375345.1, NM_001375346.1); c.775G>A, p.Val259Ile (NM_001375347.1); c.442G>A, p.Val148Ile (NM_001375348.1, NM_001375350.1); and 1 more; short protein forms V148I, V288I, V287I, V259I, V266I, V285I, V328I, V193I.
Identifiers: ClinVar variation 2166207 (VCV002166207.4), dbSNP rs768565280, ClinGen allele CA3544839.

ClinVar aggregate classification (germline): Uncertain significance (1 of 4 stars; one submission).

Conditions:
EPILEPSY, CHILDHOOD ABSENCE, SUSCEPTIBILITY TO, 2 (ECA2). Identifiers: Orphanet 64280, MedGen C1843244, OMIM 607681.
Febrile seizures, familial, 8 (FEB8). Also called: CONVULSIONS, FAMILIAL FEBRILE, 8. Identifiers: Orphanet 36387, MedGen C1969810, MONDO:0011891, OMIM 607681.

Allele frequency attached by ClinVar (database versions not stated): ExAC 0.00002; gnomAD exomes below 0.00001; TOPMed below 0.00001.
gnomAD v4.1: 7 of 1,614,024 alleles (0.00043%); highest among the groups gnomAD compares: Non-Finnish European, 0.00051%; no homozygotes.

Submission:

Labcorp Genetics (formerly Invitae), Labcorp
Classification: Uncertain significance for Febrile seizures, familial, 8; EPILEPSY, CHILDHOOD ABSENCE, SUSCEPTIBILITY TO, 2. Last evaluated: 2022-09-13. Review status: criteria provided, single submitter. Criteria: Invitae Variant Classification Sherloc (09022015). Collection method: clinical testing. Allele origin: germline.
Comment: Advanced modeling of protein sequence and biophysical properties (such as structural, functional, and spatial information, amino acid conservation, physicochemical variation, residue mobility, and thermodynamic stability) has been performed at Invitae for this missense variant, however the output from this modeling did not meet the statistical confidence thresholds required to predict the impact of this variant on GABRG2 protein function. In summary, the available evidence is currently insufficient to determine the role of this variant in disease. Therefore, it has been classified as a Variant of Uncertain Significance. This sequence change replaces valine, which is neutral and non-polar, with isoleucine, which is neutral and non-polar, at codon 288 of the GABRG2 protein (p.Val288Ile). This variant is present in population databases (rs768565280, gnomAD 0.01%). This variant has not been reported in the literature in individuals affected with GABRG2-related conditions.